The following is an entry in ClinVar:

NM_000143.4(FH):c.-4C>T

Gene: FH (fumarate hydratase; minus strand). Cytogenetic location: 1q43.
Variant type: single nucleotide variant.
Coding change: c.-4C>T on transcript NM_000143.4 (MANE Select); 4 bases upstream of the start codon, C replaced by T.
Molecular consequence: 5 prime UTR variant.
Genome position (GRCh38, 1-based): chr1:241,519,726, G>A on the plus strand (C>T on the coding strand, the complement: FH is on the minus strand). VCF-style: chr1-241519726-G-A. GRCh37 (hg19) VCF-style: chr1-241683026-G-A.
Identifiers: ClinVar variation 4539501 (VCV004539501.2).
Genomic context (GRCh38, chr1:241,519,726, plus strand): 5'-GGCTGGAGCCCGCACGAGGGGACGCGAGCGCGCGAGGAGCCGAAGTGCTCGGTACATGGT[G>A]CTGAGGGAGCTTGGGTAGAATTTCTGGGCGGCTGTGGCCACGCCTCCACGCCGGTTGTCA-3'

ClinVar aggregate classification (germline): Conflicting classifications of pathogenicity. Review status: criteria provided, conflicting classifications (1 of 4 stars). 2 submissions from 2 submitters: Uncertain significance (1); Likely benign (1). Last evaluated 2025-12-29.

Conditions:
Hereditary cancer-predisposing syndrome. Also called: Tumor predisposition; Hereditary Cancer Syndrome; Hereditary neoplastic syndrome; Neoplastic Syndromes, Hereditary. Identifiers: Orphanet 140162, MedGen C0027672, MeSH D009386, MONDO:0015356.

Submissions (2):

Center for Genomic Medicine, Rigshospitalet, Copenhagen University Hospital
Classification: Likely benign. Last evaluated: 2025-12-29. Review status: criteria provided, single submitter. Criteria: ACMG Guidelines, 2015. Collection method: clinical testing. Allele origin: germline.

Ambry Genetics
Classification: Uncertain significance for Hereditary cancer-predisposing syndrome. Last evaluated: 2025-12-03. Review status: criteria provided, single submitter. Criteria: Ambry Variant Classification Scheme 2023. Collection method: clinical testing. Allele origin: germline.
Comment: The c.-4C>T variant is located in the 5' untranslated region (5&rsquo; UTR) of the FH gene. This variant results from a C to T substitution 4 bases upstream from the first translated codon. This nucleotide position is well conserved in available vertebrate species. Based on the available evidence, the clinical significance of this variant remains unclear.